The following is an entry in ClinVar:

ClinVar aggregate classification (germline): Benign (1 of 4 stars; one submission).

Allele frequency attached by ClinVar (database versions not stated): 1000 Genomes Project 30x 0.77701; 1000 Genomes Project 0.77177; gnomAD 0.81060; TOPMed 0.81945.
gnomAD v4.1: 123,868 of 152,112 alleles (81%); highest among the groups gnomAD compares: Non-Finnish European, 84%; 50,593 homozygotes.

Submission:

GeneDx
Classification: Benign. Last evaluated: 2018-06-18. Review status: criteria provided, single submitter. Criteria: GeneDx Variant Classification (06012015). Collection method: clinical testing. Allele origin: germline. Affected: yes.
Comment: This variant is considered likely benign or benign based on one or more of the following criteria: it is a conservative change, it occurs at a poorly conserved position in the protein, it is predicted to be benign by multiple in silico algorithms, and/or has population frequency not consistent with disease.

NM_001040142.2(SCN2A):c.1672-309C>A

Gene: SCN2A (sodium voltage-gated channel alpha subunit 2; plus strand). Cytogenetic location: 2q24.3.
Variant type: single nucleotide variant.
Coding change: c.1672-309C>A on transcript NM_001040142.2 (MANE Select); 309 bases into the intron before coding-DNA position 1672, C replaced by A.
Molecular consequence: intron variant.
Genome position (GRCh38, 1-based): chr2:165,322,847, C>A. VCF-style: chr2-165322847-C-A. GRCh37 (hg19) VCF-style: chr2-166179357-C-A.
Other names: c.1672-309C>A (NM_001040143.2, NM_001371246.1, NM_001371247.1 and 1 more transcripts).
Identifiers: ClinVar variation 684238 (VCV000684238.1), dbSNP rs1816918, ClinGen allele CA15155050.
Genomic context (GRCh38, chr2:165,322,847, plus strand): 5'-GTTGTTAACTGAAATTAACTTCTAAAGAAGGGTCTATCAACAGTATCAGTTCTAGATGCC[C>A]GTAACAGGACAAAACATTATGGGGACACTTCTGACTATGTTGAGGTGTGGGTAAAGTAGG-3'